The following is an entry in ClinVar:

ClinVar aggregate classification (germline): Uncertain significance (1 of 4 stars; one submission).

Conditions:
Charcot-Marie-Tooth disease X-linked dominant 6. Also called: CHARCOT-MARIE-TOOTH NEUROPATHY, X-LINKED DOMINANT, 6. Identifiers: Orphanet 352675, MedGen C3806702, MONDO:0010479, OMIM 300905.

Submission:

Institute of Human Genetics, University of Goettingen
Classification: Uncertain significance for Charcot-Marie-Tooth disease X-linked dominant 6. Last evaluated: 2022-07-05. Review status: criteria provided, single submitter. Criteria: ACMG Guidelines, 2015. Collection method: clinical testing. Allele origin: unknown. Inheritance: X-linked inheritance. Observed: 1 hemizygote.
Comment: The variant c.836A>G (p.(Glu279Gly)) in exon 8 of the PDK3-gene is not found in the gnomAD database, it affects a highly conserved nucleotide, a highly conserved amino acid within a protein domain and there is a moderate physicochemical difference between Glu and Gly. This variant has a pathogenic computational verdict based on in silico predictions algorithms. ACMG criteria used for classification: PM2, PP2, PP3.

NM_005391.5(PDK3):c.836A>G (p.Glu279Gly)

Gene: PDK3 (pyruvate dehydrogenase kinase 3; plus strand). Cytogenetic location: Xp22.11.
Variant type: single nucleotide variant.
Coding change: c.836A>G on transcript NM_005391.5 (MANE Select); coding-DNA position 836, A replaced by G.
Protein change: p.Glu279Gly; replaces glutamic acid 279 with glycine.
Molecular consequence: missense variant.
Genome position (GRCh38, 1-based): chrX:24,527,659, A>G. VCF-style: chrX-24527659-A-G. GRCh37 (hg19) VCF-style: chrX-24545776-A-G.
Other names: c.836A>G, p.Glu279Gly (NM_001142386.3); short protein forms E279G.
Identifiers: ClinVar variation 1693269 (VCV001693269.2), dbSNP rs2148201759, ClinGen allele CA412602780.